The following is an entry in ClinVar:

NM_138425.4(C12orf57):c.367G>A (p.Val123Met)

Gene: C12orf57 (chromosome 12 open reading frame 57; plus strand). Cytogenetic location: 12p13.31.
Variant type: single nucleotide variant.
Coding change: c.367G>A on transcript NM_138425.4 (MANE Select); coding-DNA position 367, G replaced by A.
Protein change: p.Val123Met; replaces valine 123 with methionine.
Molecular consequence: missense variant. On other transcripts: non-coding transcript variant (1).
Genome position (GRCh38, 1-based): chr12:6,945,908, G>A. VCF-style: chr12-6945908-G-A. GRCh37 (hg19) VCF-style: chr12-7055071-G-A.
Other names: c.367G>A (NM_138425.2); c.367G>A, p.Val123Met (NM_001301834.1); c.328G>A, p.Val110Met (NM_001301836.2); c.280G>A, p.Val94Met (NM_001301837.2); c.262G>A, p.Val88Met (NM_001301838.2); short protein forms V110M, V123M, V88M, V94M.
Identifiers: ClinVar variation 1681845 (VCV001681845.7), dbSNP rs781813477, ClinGen allele CA6421366.
Genomic context (GRCh38, chr12:6,945,908, plus strand): 5'-AAGGCGCTGTTTCTGCCGCCCATGACCCTGCCACCCCATGGGCCTGCTGCTGGTGGCAGC[G>A]TGGCCGCCTCCTGAGAGTTGGCCCTCCCTTGTGCCACTGCCAGGGGAGGAAAGGCCTTGA-3'
Protein context (NP_612434.1, residues 113-126): PPHGPAAGGS[Val123Met]AAS

ClinVar aggregate classification (germline): Uncertain significance. Review status: criteria provided, multiple submitters, no conflicts (2 of 4 stars). 3 submissions from 3 submitters: Uncertain significance (3). Last evaluated 2026-01-05.

Conditions:
Temtamy syndrome (TEMTYS). Also called: MENTAL RETARDATION WITH OR WITHOUT CRANIOFACIAL DYSMORPHISM, OCULAR COLOBOMA, OR ABNORMAL CORPUS CALLOSUM. Identifiers: Orphanet 1777, MedGen C1857512, MONDO:0009033, OMIM 218340.
Inborn genetic diseases. Identifiers: MedGen C0950123, MeSH D030342.

Allele frequency attached by ClinVar (database versions not stated): gnomAD 0.00001; gnomAD exomes 0.00001 and 0.00003; TOPMed 0.00002; ExAC 0.00005.

Submissions (3):

Ambry Genetics
Classification: Uncertain significance for Inborn genetic diseases. Last evaluated: 2026-01-05. Review status: criteria provided, single submitter. Criteria: Ambry Variant Classification Scheme 2023. Collection method: clinical testing. Allele origin: germline.

Blueprint Genetics
Classification: Uncertain significance. Last evaluated: 2024-09-10. Review status: criteria provided, single submitter. Criteria: ACMG Guidelines, 2015. Collection method: clinical testing. Allele origin: germline.

Labcorp Genetics (formerly Invitae), Labcorp
Classification: Uncertain significance for Temtamy syndrome. Last evaluated: 2022-09-12. Review status: criteria provided, single submitter. Criteria: Invitae Variant Classification Sherloc (09022015). Collection method: clinical testing. Allele origin: germline.
Comment: This sequence change replaces valine, which is neutral and non-polar, with methionine, which is neutral and non-polar, at codon 123 of the C12orf57 protein (p.Val123Met). This variant is present in population databases (rs781813477, gnomAD 0.006%). This variant has not been reported in the literature in individuals affected with C12orf57-related conditions. ClinVar contains an entry for this variant (Variation ID: 1681845). Algorithms developed to predict the effect of missense changes on protein structure and function are either unavailable or do not agree on the potential impact of this missense change (SIFT: "Deleterious"; PolyPhen-2: "Possibly Damaging"; Align-GVGD: "Class C0"). In summary, the available evidence is currently insufficient to determine the role of this variant in disease. Therefore, it has been classified as a Variant of Uncertain Significance.